The following is an entry in ClinVar:

NM_025099.6(CTC1):c.1115T>C (p.Leu372Pro)

Gene: CTC1 (CST telomere replication complex component 1; minus strand). Cytogenetic location: 17p13.1.
Variant type: single nucleotide variant.
Coding change: c.1115T>C on transcript NM_025099.6 (MANE Select); coding-DNA position 1115, T replaced by C.
Protein change: p.Leu372Pro; replaces leucine 372 with proline.
Molecular consequence: missense variant. On other transcripts: non-coding transcript variant (1).
Genome position (GRCh38, 1-based): chr17:8,235,922, A>G on the plus strand (T>C on the coding strand, the complement: CTC1 is on the minus strand). VCF-style: chr17-8235922-A-G. GRCh37 (hg19) VCF-style: chr17-8139240-A-G.
Other names: c.1115T>C, p.Leu372Pro (NM_001411067.1); short protein forms L372P.
Identifiers: ClinVar variation 2184182 (VCV002184182.4), dbSNP rs2507929488, ClinGen allele CA397987180.
Genomic context (GRCh38, chr17:8,235,922, plus strand): 5'-CTAAGGCCACGGAACTGCTGGTAGGCAAGGCAGAGCCCCAGCTGCCCATCCAGCTCATAG[A>G]GGCCAGCGGGCTCATTCAACACGCCAGTGACTGCTCCCTGCAAACAGGCCGAGGTCCAGT-3'
Protein context (NP_079375.3, residues 362-382): VTGVLNEPAG[Leu372Pro]YELDGQLGLC

ClinVar aggregate classification (germline): Uncertain significance (1 of 4 stars; one submission).

Conditions:
Dyskeratosis congenita. Identifiers: Orphanet 1775, MedGen C0265965, MONDO:0015780.

Submission:

Labcorp Genetics (formerly Invitae), Labcorp
Classification: Uncertain significance for Dyskeratosis congenita. Last evaluated: 2022-06-11. Review status: criteria provided, single submitter. Criteria: Invitae Variant Classification Sherloc (09022015). Collection method: clinical testing. Allele origin: germline.
Comment: In summary, the available evidence is currently insufficient to determine the role of this variant in disease. Therefore, it has been classified as a Variant of Uncertain Significance. Algorithms developed to predict the effect of missense changes on protein structure and function are either unavailable or do not agree on the potential impact of this missense change (SIFT: "Deleterious"; PolyPhen-2: "Probably Damaging"; Align-GVGD: "Class C0"). This variant has not been reported in the literature in individuals affected with CTC1-related conditions. This variant is not present in population databases (gnomAD no frequency). This sequence change replaces leucine, which is neutral and non-polar, with proline, which is neutral and non-polar, at codon 372 of the CTC1 protein (p.Leu372Pro).